The following is an entry in ClinVar:

NM_006361.6(HOXB13):c.659G>C (p.Arg220Pro)

Gene: HOXB13 (homeobox B13; minus strand). Cytogenetic location: 17q21.32.
Variant type: single nucleotide variant.
Coding change: c.659G>C on transcript NM_006361.6 (MANE Select); coding-DNA position 659, G replaced by C.
Protein change: p.Arg220Pro; replaces arginine 220 with proline.
Molecular consequence: missense variant.
Genome position (GRCh38, 1-based): chr17:48,726,986, C>G on the plus strand (G>C on the coding strand, the complement: HOXB13 is on the minus strand). VCF-style: chr17-48726986-C-G. GRCh37 (hg19) VCF-style: chr17-46804348-C-G.
Other names: short protein forms R220P.
Identifiers: ClinVar variation 3526303 (VCV003526303.1).

ClinVar aggregate classification (germline): Uncertain significance (1 of 4 stars; one submission).

Conditions:
Hereditary cancer-predisposing syndrome. Also called: Hereditary Cancer Syndrome; Hereditary neoplastic syndrome; Tumor predisposition; Neoplastic Syndromes, Hereditary. Identifiers: Orphanet 140162, MedGen C0027672, MeSH D009386, MONDO:0015356.

Submission:

Ambry Genetics
Classification: Uncertain significance for Hereditary cancer-predisposing syndrome. Last evaluated: 2024-11-20. Review status: criteria provided, single submitter. Criteria: Ambry Variant Classification Scheme 2023. Collection method: clinical testing. Allele origin: germline.
Comment: The p.R220P variant (also known as c.659G>C), located in coding exon 2 of the HOXB13 gene, results from a G to C substitution at nucleotide position 659. The arginine at codon 220 is replaced by proline, an amino acid with dissimilar properties. This amino acid position is conserved. In addition, this alteration is predicted to be deleterious by in silico analysis. Based on the available evidence, the clinical significance of this variant remains unclear.